The following is an entry in ClinVar:

ClinVar aggregate classification (germline): Conflicting classifications of pathogenicity. Review status: criteria provided, conflicting classifications (1 of 4 stars). 4 submissions from 4 submitters: Uncertain significance (2); Likely benign (1). 1 of the submissions does not count toward it. Last evaluated 2025-12-08.

Conditions:
PCNT-related disorder. Also called: PCNT-related condition.
Microcephalic osteodysplastic primordial dwarfism type II (MOPD2). Also called: MOPD II; OSTEODYSPLASTIC PRIMORDIAL DWARFISM, TYPE II; Microcephalic osteodysplastic primordial dwarfism with tooth abnormalities. Identifiers: Orphanet 2637, MedGen C0432246, MONDO:0008872, OMIM 210720.

Allele frequency attached by ClinVar (database versions not stated): gnomAD exomes 0.00002 and 0.00014; gnomAD 0.00011 and 0.00013; TOPMed 0.00011; ExAC 0.00030; 1000 Genomes Project 30x 0.00062; 1000 Genomes Project 0.00080.
gnomAD v4.1: 55 of 1,607,556 alleles (0.0034%); highest among the groups gnomAD compares: East Asian, 0.069%; no homozygotes.

Submissions (4):

Labcorp Genetics (formerly Invitae), Labcorp
Classification: Likely benign. Last evaluated: 2025-12-08. Review status: criteria provided, single submitter. Criteria: Invitae Variant Classification Sherloc (09022015). Collection method: clinical testing. Allele origin: germline.

Fulgent Genetics
Classification: Uncertain significance for Microcephalic osteodysplastic primordial dwarfism type II. Last evaluated: 2018-10-31. Review status: criteria provided, single submitter. Criteria: ACMG Guidelines, 2015. Collection method: clinical testing. Allele origin: unknown.

Genetic Services Laboratory, University of Chicago
Classification: Uncertain significance. Last evaluated: 2016-08-22. Review status: criteria provided, single submitter. Criteria: ACMG Guidelines, 2015. Collection method: clinical testing. Allele origin: germline. Affected: no.

PreventionGenetics, part of Exact Sciences
Classification: Likely benign for PCNT-related condition. Last evaluated: 2022-07-28. Review status: no assertion criteria provided. Collection method: clinical testing. Allele origin: germline. Not counted in ClinVar's aggregate classification.
Comment: This variant is classified as likely benign based on ACMG/AMP sequence variant interpretation guidelines (Richards et al. 2015 PMID: 25741868, with internal and published modifications).

NM_006031.6(PCNT):c.4078C>T (p.Arg1360Cys)

Gene: PCNT (pericentrin; plus strand). Cytogenetic location: 21q22.3.
Variant type: single nucleotide variant.
Coding change: c.4078C>T on transcript NM_006031.6 (MANE Select); coding-DNA position 4078, C replaced by T.
Protein change: p.Arg1360Cys; replaces arginine 1360 with cysteine.
Molecular consequence: missense variant.
Genome position (GRCh38, 1-based): chr21:46,391,238, C>T. VCF-style: chr21-46391238-C-T. GRCh37 (hg19) VCF-style: chr21-47811153-C-T.
Other names: c.3724C>T, p.Arg1242Cys (NM_001315529.2); short protein forms R1360C, R1242C.
Identifiers: ClinVar variation 436192 (VCV000436192.13), dbSNP rs202221024, ClinGen allele CA10079530.
Genomic context (GRCh38, chr21:46,391,238, plus strand): 5'-TTCAAGGTGGAGACAGCAGATCTGAAGGAGGTGCTGGCCGGGAAGGAGGATTCCGAGCAC[C>T]GTCTGGTGCTGGAGCTGGAGAGCCTGAGACGGCAGCTGCAGCAGGCGGCCCAGGAGCAGG-3'
Protein context (NP_006022.3, residues 1350-1370): VLAGKEDSEH[Arg1360Cys]LVLELESLRR